The following is an entry in ClinVar:

NC_000001.10:g.(?_45794978)_(45795123_?)del

Gene: MUTYH (mutY DNA glycosylase; minus strand). Cytogenetic location: 1p34.1.
Variant type: Deletion.
Identifiers: ClinVar variation 1502918 (VCV001502918.4).

ClinVar aggregate classification (germline): Likely pathogenic (1 of 4 stars; one submission).

Conditions:
Familial adenomatous polyposis 2. Also called: MYH-associated polyposis; Adenomas, multiple colorectal; COLORECTAL ADENOMATOUS POLYPOSIS, AUTOSOMAL RECESSIVE; ADENOMAS, MULTIPLE COLORECTAL, AUTOSOMAL RECESSIVE; FAP type 2; MUTYH Polyposis. Identifiers: Orphanet 220460, Orphanet 247798, MedGen C3272841, MONDO:0012041, OMIM 608456.

Submission:

Labcorp Genetics (formerly Invitae), Labcorp
Classification: Likely pathogenic for Familial adenomatous polyposis 2. Last evaluated: 2023-11-28. Review status: criteria provided, single submitter. Criteria: Invitae Variant Classification Sherloc (09022015). Collection method: clinical testing. Allele origin: germline.
Comment: This variant is a gross deletion of the genomic region encompassing exon(s) 16 of the MUTYH gene, which includes the termination codon. This deletion extends beyond the assayed region for this gene and therefore may encompass additional genes. While this deletion is not anticipated to lead to nonsense mediated decay, it is expected to alter mRNA translation or result in a truncated protein product. This variant has not been reported in the literature in individuals affected with MUTYH-related conditions. This variant disrupts the conserved PCNA binding motif of the MUTYH protein, which has been shown to be critical for MUTYH-PCNA binding and repair efficiency (PMID: 11092888, 26377631, 11433026, 11864576). While functional studies have not been performed to directly test the effect of this variant on MUTYH protein function, this suggests that disruption of this region of the protein is causative of disease. In summary, the currently available evidence indicates that the variant is pathogenic, but additional data are needed to prove that conclusively. Therefore, this variant has been classified as Likely Pathogenic.

Literature cited by the submitters: PubMed 11092888; PubMed 26377631; PubMed 11433026; PubMed 11864576.